The following is an entry in ClinVar:

NM_001130009.3(GEN1):c.721T>C (p.Trp241Arg)

Gene: GEN1 (GEN1 structure-specific endonuclease; plus strand). Cytogenetic location: 2p24.2.
Variant type: single nucleotide variant.
Coding change: c.721T>C on transcript NM_001130009.3 (MANE Select); coding-DNA position 721, T replaced by C.
Protein change: p.Trp241Arg; replaces tryptophan 241 with arginine.
Molecular consequence: missense variant.
Genome position (GRCh38, 1-based): chr2:17,771,206, T>C. VCF-style: chr2-17771206-T-C. GRCh37 (hg19) VCF-style: chr2-17952473-T-C.
Other names: c.721T>C, p.Trp241Arg (NM_182625.5); short protein forms W241R.
Identifiers: ClinVar variation 2113406 (VCV002113406.4), dbSNP rs2545580496, ClinGen allele CA345914631.

ClinVar aggregate classification (germline): Uncertain significance (1 of 4 stars; one submission).

Submission:

Labcorp Genetics (formerly Invitae), Labcorp
Classification: Uncertain significance. Last evaluated: 2024-05-06. Review status: criteria provided, single submitter. Criteria: Invitae Variant Classification Sherloc (09022015). Collection method: clinical testing. Allele origin: germline.
Comment: This sequence change replaces tryptophan, which is neutral and slightly polar, with arginine, which is basic and polar, at codon 241 of the GEN1 protein (p.Trp241Arg). This variant is not present in population databases (gnomAD no frequency). This variant has not been reported in the literature in individuals affected with GEN1-related conditions. ClinVar contains an entry for this variant (Variation ID: 2113406). An algorithm developed to predict the effect of missense changes on protein structure and function (PolyPhen-2) suggests that this variant is likely to be disruptive. In summary, the available evidence is currently insufficient to determine the role of this variant in disease. Therefore, it has been classified as a Variant of Uncertain Significance.